The following is an entry in ClinVar:

ClinVar aggregate classification (germline): Uncertain significance. Review status: criteria provided, multiple submitters, no conflicts (2 of 4 stars). 2 submissions from 2 submitters: Uncertain significance (2). Last evaluated 2023-05-09.

Conditions:
Primary ciliary dyskinesia. Also called: Ciliary dyskinesia. Identifiers: Orphanet 244, MedGen C0008780, MONDO:0016575, HP:0012265.

Allele frequency attached by ClinVar (database versions not stated): gnomAD exomes 0.00001; gnomAD 0.00002; ExAC 0.00003; TOPMed 0.00003.
gnomAD v4.1: 11 of 1,504,056 alleles (0.00073%); highest among the groups gnomAD compares: Admixed American, 0.012%; no homozygotes.

Submissions (2):

Ambry Genetics
Classification: Uncertain significance. Last evaluated: 2023-05-09. Review status: criteria provided, single submitter. Criteria: Ambry Variant Classification Scheme 2023. Collection method: clinical testing. Allele origin: germline.

Labcorp Genetics (formerly Invitae), Labcorp
Classification: Uncertain significance for Primary ciliary dyskinesia. Last evaluated: 2022-05-25. Review status: criteria provided, single submitter. Criteria: Invitae Variant Classification Sherloc (09022015). Collection method: clinical testing. Allele origin: germline.
Comment: This sequence change replaces arginine, which is basic and polar, with glycine, which is neutral and non-polar, at codon 4083 of the DNAH8 protein (p.Arg4083Gly). This variant is present in population databases (rs771014094, gnomAD 0.02%). This variant has not been reported in the literature in individuals affected with DNAH8-related conditions. Algorithms developed to predict the effect of missense changes on protein structure and function are either unavailable or do not agree on the potential impact of this missense change (SIFT: "Tolerated"; PolyPhen-2: "Not Available"; Align-GVGD: "Class C0"). Algorithms developed to predict the effect of sequence changes on RNA splicing suggest that this variant may disrupt the consensus splice site. In summary, the available evidence is currently insufficient to determine the role of this variant in disease. Therefore, it has been classified as a Variant of Uncertain Significance.

NM_001206927.2(DNAH8):c.12247A>G (p.Arg4083Gly)

Genes: DNAH8 (dynein axonemal heavy chain 8; plus strand), DNAH8-AS1 (DNAH8 antisense RNA 1; minus strand). Cytogenetic location: 6p21.2.
Variant type: single nucleotide variant.
Coding change: c.12247A>G on transcript NM_001206927.2 (MANE Select); coding-DNA position 12247, A replaced by G.
Protein change: p.Arg4083Gly; replaces arginine 4083 with glycine.
Molecular consequence: missense variant.
Genome position (GRCh38, 1-based): chr6:38,949,569, A>G. VCF-style: chr6-38949569-A-G. GRCh37 (hg19) VCF-style: chr6-38917345-A-G.
Other names: c.12247A>G (NM_001206927.1); c.11596A>G, p.Arg3866Gly (NM_001371.4); short protein forms R3866G, R4083G.
Identifiers: ClinVar variation 2085183 (VCV002085183.3), dbSNP rs771014094, ClinGen allele CA3791289.